The following is an entry in ClinVar:

ClinVar aggregate classification (germline): Pathogenic (1 of 4 stars; one submission).

Submission:

Labcorp Genetics (formerly Invitae), Labcorp
Classification: Pathogenic. Last evaluated: 2022-07-12. Review status: criteria provided, single submitter. Criteria: Invitae Variant Classification Sherloc (09022015). Collection method: clinical testing. Allele origin: germline.
Comment: This variant is a gross deletion of the genomic region encompassing exon(s) 9-12 of the TSPEAR gene, which includes the termination codon. This deletion extends beyond the assayed region for this gene and therefore may encompass additional genes. While this deletion is not anticipated to lead to nonsense mediated decay, it is expected to alter mRNA translation or result in a truncated protein product. This variant has not been reported in the literature in individuals affected with TSPEAR-related conditions. For these reasons, this variant has been classified as Pathogenic. This variant disrupts a region of the TSPEAR protein in which other variant(s) (p.Val576Leufs*38) have been determined to be pathogenic (PMID: 27736875). This suggests that this is a clinically significant region of the protein, and that variants that disrupt it are likely to be disease-causing.

Literature cited by the submitters: PubMed 27736875.

NC_000021.8:g.(?_45919666)_(45942015_?)del

Gene: TSPEAR (thrombospondin type laminin G domain and EAR repeats; minus strand). Cytogenetic location: 21q22.3.
Variant type: Deletion.
Identifiers: ClinVar variation 1412751 (VCV001412751.5).